The following is an entry in ClinVar:

ClinVar aggregate classification (germline): Uncertain significance (1 of 4 stars; one submission).

Conditions:
MYH14-related disorder. Also called: MYH14-related condition.

Submission:

PreventionGenetics, part of Exact Sciences
Classification: Uncertain significance for MYH14-related condition. Last evaluated: 2025-04-01. Review status: criteria provided, single submitter. Criteria: ACMG Guidelines, 2015. Collection method: clinical testing. Allele origin: germline.
Comment: The MYH14 c.4584A>T variant is predicted to result in the amino acid substitution p.Glu1528Asp. To our knowledge, this variant has not been reported in the literature or in a large population database (gnomAD), indicating this variant is rare. At this time, the clinical significance of this variant is uncertain due to the absence of conclusive functional and genetic evidence.

NM_001145809.2(MYH14):c.4584A>T (p.Glu1528Asp)

Gene: MYH14 (myosin heavy chain 14; plus strand). Cytogenetic location: 19q13.33.
Variant type: single nucleotide variant.
Coding change: c.4584A>T on transcript NM_001145809.2 (MANE Select); coding-DNA position 4584, A replaced by T.
Protein change: p.Glu1528Asp; replaces glutamic acid 1528 with aspartic acid.
Molecular consequence: missense variant.
Genome position (GRCh38, 1-based): chr19:50,286,526, A>T. VCF-style: chr19-50286526-A-T. GRCh37 (hg19) VCF-style: chr19-50789783-A-T.
Other names: c.4485A>T, p.Glu1495Asp (NM_001077186.2); c.4461A>T, p.Glu1487Asp (NM_024729.4); short protein forms E1528D, E1487D, E1495D.
Identifiers: ClinVar variation 4998167 (VCV004998167.1).